The following is an entry in ClinVar:

ClinVar aggregate classification (germline): Uncertain significance. Review status: criteria provided, multiple submitters, no conflicts (2 of 4 stars). 2 submissions from 2 submitters: Uncertain significance (2). Last evaluated 2025-12-01.

Conditions:
Mullerian aplasia and hyperandrogenism. Also called: MULLERIAN DUCT FAILURE AND HYPERANDROGENISM. Identifiers: Orphanet 247768, MedGen C2675014, MONDO:0008019, OMIM 158330.
SERKAL syndrome (SERKAL). Also called: 46,XX SEX REVERSAL WITH DYSGENESIS OF KIDNEYS, ADRENALS, AND LUNGS. Identifiers: Orphanet 139466, MedGen C2678492, MONDO:0012734, OMIM 611812.

gnomAD v4.1: 53 of 1,613,656 alleles (0.0033%); highest among the groups gnomAD compares: Non-Finnish European, 0.0042%; no homozygotes.

Submissions (2):

Labcorp Genetics (formerly Invitae), Labcorp
Classification: Uncertain significance. Last evaluated: 2025-12-01. Review status: criteria provided, single submitter. Criteria: Invitae Variant Classification Sherloc (09022015). Collection method: clinical testing. Allele origin: germline.
Comment: This sequence change replaces alanine, which is neutral and non-polar, with serine, which is neutral and polar, at codon 114 of the WNT4 protein (p.Ala114Ser). This variant is present in population databases (rs759526796, gnomAD 0.003%). This variant has not been reported in the literature in individuals affected with WNT4-related conditions. ClinVar contains an entry for this variant (Variation ID: 3580726). Invitae Evidence Modeling of protein sequence and biophysical properties (such as structural, functional, and spatial information, amino acid conservation, physicochemical variation, residue mobility, and thermodynamic stability) indicates that this missense variant is not expected to disrupt WNT4 protein function with a negative predictive value of 80%. In summary, the available evidence is currently insufficient to determine the role of this variant in disease. Therefore, it has been classified as a Variant of Uncertain Significance.

Fulgent Genetics
Classification: Uncertain significance for Mullerian aplasia and hyperandrogenism; SERKAL syndrome. Last evaluated: 2024-03-05. Review status: criteria provided, single submitter. Criteria: ACMG Guidelines, 2015. Collection method: clinical testing. Allele origin: germline.

NM_030761.5(WNT4):c.340G>T (p.Ala114Ser)

Gene: WNT4 (Wnt family member 4; minus strand). Cytogenetic location: 1p36.12.
Variant type: single nucleotide variant.
Coding change: c.340G>T on transcript NM_030761.5 (MANE Select); coding-DNA position 340, G replaced by T.
Protein change: p.Ala114Ser; replaces alanine 114 with serine.
Molecular consequence: missense variant.
Genome position (GRCh38, 1-based): chr1:22,121,550, C>A on the plus strand (G>T on the coding strand, the complement: WNT4 is on the minus strand). VCF-style: chr1-22121550-C-A. GRCh37 (hg19) VCF-style: chr1-22448043-C-A.
Other names: short protein forms A114S.
Identifiers: ClinVar variation 3580726 (VCV003580726.2).